The following is an entry in ClinVar:

ClinVar aggregate classification (germline): Uncertain significance (1 of 4 stars; one submission).

gnomAD v4.1: 7 of 1,606,328 alleles (0.00044%); highest among the groups gnomAD compares: Non-Finnish European, 0.0006%; no homozygotes.

Submission:

Labcorp Genetics (formerly Invitae), Labcorp
Classification: Uncertain significance. Last evaluated: 2023-04-23. Review status: criteria provided, single submitter. Criteria: Invitae Variant Classification Sherloc (09022015). Collection method: clinical testing. Allele origin: germline.
Comment: ClinVar contains an entry for this variant (Variation ID: 1947562). In summary, the available evidence is currently insufficient to determine the role of this variant in disease. Therefore, it has been classified as a Variant of Uncertain Significance. Advanced modeling of protein sequence and biophysical properties (such as structural, functional, and spatial information, amino acid conservation, physicochemical variation, residue mobility, and thermodynamic stability) performed at Invitae indicates that this missense variant is not expected to disrupt ALPK3 protein function. This variant has not been reported in the literature in individuals affected with ALPK3-related conditions. This variant is not present in population databases (gnomAD no frequency). This sequence change replaces threonine, which is neutral and polar, with asparagine, which is neutral and polar, at codon 673 of the ALPK3 protein (p.Thr673Asn).

NM_020778.5(ALPK3):c.1412C>A (p.Thr471Asn)

Gene: ALPK3 (alpha kinase 3; plus strand). Cytogenetic location: 15q25.3.
Variant type: single nucleotide variant.
Coding change: c.1412C>A on transcript NM_020778.5 (MANE Select); coding-DNA position 1412, C replaced by A.
Protein change: p.Thr471Asn; replaces threonine 471 with asparagine.
Molecular consequence: missense variant.
Genome position (GRCh38, 1-based): chr15:84,840,691, C>A. VCF-style: chr15-84840691-C-A. GRCh37 (hg19) VCF-style: chr15-85383922-C-A.
Other names: short protein forms T471N.
Identifiers: ClinVar variation 1947562 (VCV001947562.5), dbSNP rs143709902, ClinGen allele CA393375569.